The following is an entry in ClinVar:

ClinVar aggregate classification (germline): Uncertain significance (1 of 4 stars; one submission).

Conditions:
Klippel-Feil syndrome 3, autosomal dominant (KFS3). Identifiers: Orphanet 2345, MedGen C3150967, MONDO:0013375, OMIM 613702.

gnomAD v4.1: 40 of 1,613,936 alleles (0.0025%); highest among the groups gnomAD compares: South Asian, 0.043%; 2 homozygotes.

Submission:

Neuberg Centre For Genomic Medicine, NCGM
Classification: Uncertain significance for Klippel-Feil syndrome 3, autosomal dominant. Last evaluated: 2023-05-20. Review status: criteria provided, single submitter. Criteria: ACMG Guidelines, 2015. Collection method: clinical testing. Allele origin: germline. Inheritance: Autosomal dominant inheritance. Affected: yes.
Comment: The missense variant c.3268A>G(p.Ile1090Val) in ZSWIM6 gene has not been reported previously as a pathogenic variant nor as a benign variant, to our knowledge. The observed variant has allele frequency of 0.001% in gnomAD exomes database. This variant has been submitted to the ClinVar database as Uncertain Significance. Multiple lines of computational evidence (Polyphen -benign, SIFT - tolerated and MutationTaster - disease causing) predicts conflicting evidence on protein structure and function for this variant. The amino acid change p.Ile1090Val in ZSWIM6 is predicted as conserved by GERP++ and PhyloP across 100 vertebrates. The amino acid Ile at position 1090 is changed to a Val changing protein sequence and it might alter its composition and physico-chemical properties. For these reasons, this variant has been classified as Uncertain Significance (VUS).

NM_020634.3(GDF3):c.689A>G (p.His230Arg)

Gene: GDF3 (growth differentiation factor 3; minus strand). Cytogenetic location: 12p13.31.
Variant type: single nucleotide variant.
Coding change: c.689A>G on transcript NM_020634.3 (MANE Select); coding-DNA position 689, A replaced by G.
Protein change: p.His230Arg; replaces histidine 230 with arginine.
Molecular consequence: missense variant.
Genome position (GRCh38, 1-based): chr12:7,690,284, T>C on the plus strand (A>G on the coding strand, the complement: GDF3 is on the minus strand). VCF-style: chr12-7690284-T-C. GRCh37 (hg19) VCF-style: chr12-7842880-T-C.
Other names: short protein forms H230R.
Identifiers: ClinVar variation 3367113 (VCV003367113.1).